The following is an entry in ClinVar:

NM_000271.5(NPC1):c.710C>T (p.Pro237Leu)

Gene: NPC1 (NPC intracellular cholesterol transporter 1; minus strand). Cytogenetic location: 18q11.2.
Variant type: single nucleotide variant.
Coding change: c.710C>T on transcript NM_000271.5 (MANE Select); coding-DNA position 710, C replaced by T.
Protein change: p.Pro237Leu; replaces proline 237 with leucine.
Molecular consequence: missense variant.
Genome position (GRCh38, 1-based): chr18:23,560,402, G>A on the plus strand (C>T on the coding strand, the complement: NPC1 is on the minus strand). VCF-style: chr18-23560402-G-A. GRCh37 (hg19) VCF-style: chr18-21140366-G-A.
Other names: short protein forms P237L.
Identifiers: ClinVar variation 4536036 (VCV004536036.1).

ClinVar aggregate classification (germline): Uncertain significance (1 of 4 stars; one submission).

gnomAD v4.1: 3 of 1,614,194 alleles (0.00019%); highest among the groups gnomAD compares: Non-Finnish European, 0.00025%; no homozygotes.

Submission:

Women's Health and Genetics/Laboratory Corporation of America, LabCorp
Classification: Uncertain significance. Last evaluated: 2025-09-23. Review status: criteria provided, single submitter. Criteria: LabCorp Variant Classification Summary - May 2015. Collection method: clinical testing. Allele origin: germline.
Comment: Variant summary: NPC1 c.710C>T (p.Pro237Leu) results in a non-conservative amino acid change in the encoded protein sequence. Algorithms developed to predict the effect of missense changes on protein structure and function all suggest that this variant is likely to be disruptive. The variant was absent in 250694 control chromosomes (gnomAD). The available data on variant occurrences in the general population are insufficient to allow any conclusion about variant significance. c.710C>T has been observed in an individual affected with Niemann-Pick Disease Type C (Fancello_2009). These data do not allow any conclusion about variant significance. To our knowledge, no experimental evidence demonstrating an impact on protein function has been reported. The following publications have been ascertained in the context of this evaluation (PMID: 19252935, 32138288). No submitters have cited clinical-significance assessments for this variant to ClinVar. Based on the evidence outlined above, the variant was classified as uncertain significance.

Literature cited by the submitters: PubMed 19252935; PubMed 32138288.